The following is an entry in ClinVar:

ClinVar aggregate classification (germline): Uncertain significance (1 of 4 stars; one submission).

gnomAD v4.1: 1 of 953,184 alleles (0.0001%); highest among the groups gnomAD compares: Non-Finnish European, 0.00012%; no homozygotes.

Submission:

GeneDx
Classification: Uncertain significance. Last evaluated: 2025-03-24. Review status: criteria provided, single submitter. Criteria: GeneDx Variant Classification Process June 2021. Collection method: clinical testing. Allele origin: germline. Affected: yes.
Comment: Not observed at significant frequency in large population cohorts (gnomAD); In silico analysis indicates that this missense variant does not alter protein structure/function; Has not been previously published as pathogenic or benign to our knowledge

NM_001128228.3(TPRN):c.500C>T (p.Pro167Leu)

Gene: TPRN (taperin; minus strand). Cytogenetic location: 9q34.3.
Variant type: single nucleotide variant.
Coding change: c.500C>T on transcript NM_001128228.3 (MANE Select); coding-DNA position 500, C replaced by T.
Protein change: p.Pro167Leu; replaces proline 167 with leucine.
Molecular consequence: missense variant.
Genome position (GRCh38, 1-based): chr9:137,200,212, G>A on the plus strand (C>T on the coding strand, the complement: TPRN is on the minus strand). VCF-style: chr9-137200212-G-A. GRCh37 (hg19) VCF-style: chr9-140094664-G-A.
Other names: short protein forms P167L.
Identifiers: ClinVar variation 4087866 (VCV004087866.1).